The following is an entry in ClinVar:

ClinVar aggregate classification (germline): Likely pathogenic (1 of 4 stars; one submission).

Conditions:
Autosomal recessive limb-girdle muscular dystrophy type 2D (LGMDR3). Also called: MUSCULAR DYSTROPHY, LIMB-GIRDLE, AUTOSOMAL RECESSIVE 3; DUCHENNE-LIKE AUTOSOMAL RECESSIVE MUSCULAR DYSTROPHY, TYPE 2; ADHALINOPATHY, PRIMARY. Identifiers: Orphanet 62, MedGen C2936332, MONDO:0011968, OMIM 608099. Disease mechanism: Affects gamma-sarcoglycan and also disrupts the integrity of the entire sarcoglycan complex..

gnomAD v4.1: 1 of 1,614,192 alleles (0.000062%); highest among the groups gnomAD compares: Admixed American, 0.0017%; no homozygotes.

Submission:

Labcorp Genetics (formerly Invitae), Labcorp
Classification: Likely pathogenic for Autosomal recessive limb-girdle muscular dystrophy type 2D. Last evaluated: 2021-12-02. Review status: criteria provided, single submitter. Criteria: Invitae Variant Classification Sherloc (09022015). Collection method: clinical testing. Allele origin: germline.
Comment: This sequence change replaces proline, which is neutral and non-polar, with serine, which is neutral and polar, at codon 30 of the SGCA protein (p.Pro30Ser). This variant is present in population databases (no rsID available, gnomAD 0.003%). This missense change has been observed in individual(s) with clinical suspicion of limb-girdle muscular dystrophy (Invitae). In at least one individual the data is consistent with being in trans (on the opposite chromosome) from a pathogenic variant. ClinVar contains an entry for this variant (Variation ID: 471339). Advanced modeling of protein sequence and biophysical properties (such as structural, functional, and spatial information, amino acid conservation, physicochemical variation, residue mobility, and thermodynamic stability) performed at Invitae indicates that this missense variant is expected to disrupt SGCA protein function. In summary, the currently available evidence indicates that the variant is pathogenic, but additional data are needed to prove that conclusively. Therefore, this variant has been classified as Likely Pathogenic.

NM_000023.4(SGCA):c.88C>T (p.Pro30Ser)

Gene: SGCA (sarcoglycan alpha; plus strand). Cytogenetic location: 17q21.33.
Variant type: single nucleotide variant.
Coding change: c.88C>T on transcript NM_000023.4 (MANE Select); coding-DNA position 88, C replaced by T.
Protein change: p.Pro30Ser; replaces proline 30 with serine.
Molecular consequence: missense variant. On other transcripts: non-coding transcript variant (1).
Genome position (GRCh38, 1-based): chr17:50,167,418, C>T. VCF-style: chr17-50167418-C-T. GRCh37 (hg19) VCF-style: chr17-48244779-C-T.
Other names: c.88C>T, p.Pro30Ser (NM_001135697.3); short protein forms P30S.
Identifiers: ClinVar variation 471339 (VCV000471339.7), dbSNP rs1327595249, ClinGen allele CA400176582.